The following is an entry in ClinVar:

NM_001376.5(DYNC1H1):c.398del (p.Ser133fs)

Gene: DYNC1H1 (dynein cytoplasmic 1 heavy chain 1; plus strand). Cytogenetic location: 14q32.31.
Variant type: Deletion.
Coding change: c.398del on transcript NM_001376.5 (MANE Select); coding-DNA position 398, one base deleted (C; older notation c.398delC).
Protein change: p.Ser133fs; shifts the reading frame from serine 133.
Molecular consequence: frameshift variant.
Genome position (GRCh38, 1-based): chr14:101,979,372, C deleted. VCF-style (leftmost placement, unchanged base first): chr14-101979371-TC-T. GRCh37 (hg19) VCF-style: chr14-102445708-TC-T.
Other names: c.398delC, p.Ser133Phefs (NM_001376.4); short protein forms S133fs.
Identifiers: ClinVar variation 2500655 (VCV002500655.1), dbSNP rs2503677932, ClinGen allele CA2580088376.

ClinVar aggregate classification (germline): Uncertain significance (1 of 4 stars; one submission).

Submission:

GeneDx
Classification: Uncertain significance. Last evaluated: 2022-10-26. Review status: criteria provided, single submitter. Criteria: GeneDx Variant Classification Process June 2021. Collection method: clinical testing. Allele origin: germline. Affected: yes.
Comment: Not observed at significant frequency in large population cohorts (gnomAD); Frameshift variant predicted to result in protein truncation or nonsense mediated decay in a gene or region of a gene for which loss of function is not a well-established mechanism of disease; Has not been previously published as pathogenic or benign to our knowledge